The following is an entry in ClinVar:

NM_016343.4(CENPF):c.4128G>A (p.Gln1376=)

Gene: CENPF (centromere protein F; plus strand). Cytogenetic location: 1q41.
Variant type: single nucleotide variant.
Coding change: c.4128G>A on transcript NM_016343.4 (MANE Select); coding-DNA position 4128, G replaced by A.
Protein change: p.Gln1376=; no amino-acid change (glutamine 1376 retained).
Molecular consequence: synonymous variant.
Genome position (GRCh38, 1-based): chr1:214,642,466, G>A. VCF-style: chr1-214642466-G-A. GRCh37 (hg19) VCF-style: chr1-214815809-G-A.
Identifiers: ClinVar variation 3352500 (VCV003352500.1).

ClinVar aggregate classification (germline): Likely benign (0 of 4 stars; one submission).

Conditions:
CENPF-related disorder. Also called: CENPF-related condition.

gnomAD v4.1: 67 of 1,603,616 alleles (0.0042%); highest among the groups gnomAD compares: African/African-American, 0.082%; no homozygotes.

Submission:

PreventionGenetics, part of Exact Sciences
Classification: Likely benign for CENPF-related condition. Last evaluated: 2024-08-20. Review status: no assertion criteria provided. Collection method: clinical testing. Allele origin: germline.
Comment: This variant is classified as likely benign based on ACMG/AMP sequence variant interpretation guidelines (Richards et al. 2015 PMID: 25741868, with internal and published modifications).